The following is an entry in ClinVar:

ClinVar aggregate classification (germline): Uncertain significance. Review status: criteria provided, multiple submitters, no conflicts (2 of 4 stars). 2 submissions from 2 submitters: Uncertain significance (2). Last evaluated 2025-10-02.

Conditions:
Epidermolysis bullosa simplex 5B, with muscular dystrophy (EBS5B). Also called: EPIDERMOLYSIS BULLOSA SIMPLEX AND LIMB-GIRDLE MUSCULAR DYSTROPHY; Epidermolysis bullosa simplex with muscular dystrophy. Identifiers: Orphanet 257, MedGen C2931072, MONDO:0009181, OMIM 226670.
Epidermolysis bullosa simplex, Ogna type (EBS5A). Also called: EPIDERMOLYSIS BULLOSA SIMPLEX 5A, OGNA TYPE; Pidermolysis bullosa simplex 5A, Ogna type. Identifiers: Orphanet 79401, MedGen C0432317, MONDO:0007555, OMIM 131950.
Epidermolysis bullosa simplex with nail dystrophy (EBS5D). Identifiers: MedGen C4225309, MONDO:0014661, OMIM 616487.
Autosomal recessive limb-girdle muscular dystrophy type 2Q (LGMDR17). Also called: MUSCULAR DYSTROPHY, LIMB-GIRDLE, AUTOSOMAL RECESSIVE 17. Identifiers: Orphanet 254361, MedGen C3150989, MONDO:0013390, OMIM 613723.
Epidermolysis bullosa simplex 5C, with pyloric atresia (EBS5C). Also called: Epidermolysis bullosa simplex with pyloric atresia; PLEC-Related Epidermolysis Bullosa with Pyloric Atresia; PLEC1-Related Epidermolysis Bullosa with Pyloric Atresia. Identifiers: Orphanet 158684, MedGen C2677349, MONDO:0012807, OMIM 612138.

Allele frequency attached by ClinVar (database versions not stated): TOPMed 0.00002; ExAC 0.00003; gnomAD 0.00004.
gnomAD v4.1: 26 of 1,599,514 alleles (0.0016%); highest among the groups gnomAD compares: Middle Eastern, 0.016%; no homozygotes.

Submissions (2):

Labcorp Genetics (formerly Invitae), Labcorp
Classification: Uncertain significance for Autosomal recessive limb-girdle muscular dystrophy type 2Q; Epidermolysis bullosa simplex, Ogna type; Epidermolysis bullosa simplex with nail dystrophy; Epidermolysis bullosa simplex 5C, with pyloric atresia; Epidermolysis bullosa simplex 5B, with muscular dystrophy. Last evaluated: 2025-10-02. Review status: criteria provided, single submitter. Criteria: Invitae Variant Classification Sherloc (09022015). Collection method: clinical testing. Allele origin: germline.
Comment: This sequence change replaces arginine, which is basic and polar, with histidine, which is basic and polar, at codon 983 of the PLEC protein (p.Arg983His). This variant is present in population databases (rs782714752, gnomAD 0.009%). This variant has not been reported in the literature in individuals affected with PLEC-related conditions. ClinVar contains an entry for this variant (Variation ID: 1415277). Invitae Evidence Modeling of protein sequence and biophysical properties (such as structural, functional, and spatial information, amino acid conservation, physicochemical variation, residue mobility, and thermodynamic stability) indicates that this missense variant is not expected to disrupt PLEC protein function with a negative predictive value of 80%. In summary, the available evidence is currently insufficient to determine the role of this variant in disease. Therefore, it has been classified as a Variant of Uncertain Significance.

Revvity Omics, Revvity
Classification: Uncertain significance. Last evaluated: 2024-01-09. Review status: criteria provided, single submitter. Criteria: ACMG Guidelines, 2015. Collection method: clinical testing. Allele origin: germline.

NM_201384.3(PLEC):c.2867G>A (p.Arg956His)

Gene: PLEC (plectin; minus strand). Cytogenetic location: 8q24.3.
Variant type: single nucleotide variant.
Coding change: c.2867G>A on transcript NM_201384.3 (MANE Select); coding-DNA position 2867, G replaced by A.
Protein change: p.Arg956His; replaces arginine 956 with histidine.
Molecular consequence: missense variant.
Genome position (GRCh38, 1-based): chr8:143,929,702, C>T on the plus strand (G>A on the coding strand, the complement: PLEC is on the minus strand). VCF-style: chr8-143929702-C-T. GRCh37 (hg19) VCF-style: chr8-145003870-C-T.
Other names: c.2771G>A, p.Arg924His (NM_201381.3); c.2867G>A, p.Arg956His (NM_201382.4); c.2879G>A, p.Arg960His (NM_201383.3); c.2948G>A, p.Arg983His (NM_000445.5); c.2825G>A, p.Arg942His (NM_201378.4); c.2801G>A, p.Arg934His (NM_201379.3); c.3278G>A, p.Arg1093His (NM_201380.4); short protein forms R1093H, R942H, R956H, R960H, R934H, R983H, R924H.
Identifiers: ClinVar variation 1415277 (VCV001415277.7), dbSNP rs782714752, ClinGen allele CA4927317.